The following is an entry in ClinVar:

ClinVar aggregate classification (germline): Uncertain significance (1 of 4 stars; one submission).

Conditions:
Inborn genetic diseases. Identifiers: MedGen C0950123, MeSH D030342.

Submission:

Ambry Genetics
Classification: Uncertain significance for Inborn genetic diseases. Last evaluated: 2022-09-01. Review status: criteria provided, single submitter. Criteria: Ambry Variant Classification Scheme 2023. Collection method: clinical testing. Allele origin: germline.
Comment: The c.3199A>T (p.M1067L) alteration is located in exon 21 (coding exon 20) of the PRPF8 gene. This alteration results from an A to T substitution at nucleotide position 3199, causing the methionine (M) at amino acid position 1067 to be replaced by a leucine (L). This variant was not reported in population-based cohorts in the Genome Aggregation Database (gnomAD). This amino acid position is highly conserved in available vertebrate species. This missense alteration is located in a region that has a low rate of benign missense variation (Lek, 2016; Firth, 2009). The in silico prediction for this alteration is inconclusive. Based on insufficient or conflicting evidence, the clinical significance of this alteration remains unclear.

Literature cited by the submitters: PubMed 19344873; PubMed 27535533.

NM_006445.4(PRPF8):c.3199A>T (p.Met1067Leu)

Gene: PRPF8 (pre-mRNA processing factor 8; minus strand). Cytogenetic location: 17p13.3.
Variant type: single nucleotide variant.
Coding change: c.3199A>T on transcript NM_006445.4 (MANE Select); coding-DNA position 3199, A replaced by T.
Protein change: p.Met1067Leu; replaces methionine 1067 with leucine.
Molecular consequence: missense variant.
Genome position (GRCh38, 1-based): chr17:1,674,542, T>A on the plus strand (A>T on the coding strand, the complement: PRPF8 is on the minus strand). VCF-style: chr17-1674542-T-A. GRCh37 (hg19) VCF-style: chr17-1577836-T-A.
Other names: short protein forms M1067L.
Identifiers: ClinVar variation 2303796 (VCV002303796.2), dbSNP rs1597244155, ClinGen allele CA397542880.